The following is an entry in ClinVar:

NM_000069.3(CACNA1S):c.865A>G (p.Ile289Val)

Gene: CACNA1S (calcium voltage-gated channel subunit alpha1 S; minus strand). Cytogenetic location: 1q32.1.
Variant type: single nucleotide variant.
Coding change: c.865A>G on transcript NM_000069.3 (MANE Select); coding-DNA position 865, A replaced by G.
Protein change: p.Ile289Val; replaces isoleucine 289 with valine.
Molecular consequence: missense variant.
Genome position (GRCh38, 1-based): chr1:201,089,293, T>C on the plus strand (A>G on the coding strand, the complement: CACNA1S is on the minus strand). VCF-style: chr1-201089293-T-C. GRCh37 (hg19) VCF-style: chr1-201058421-T-C.
Other names: short protein forms I289V.
Identifiers: ClinVar variation 541036 (VCV000541036.13), dbSNP rs139920212, ClinGen allele CA35993722.

ClinVar aggregate classification (germline): Uncertain significance. Review status: criteria provided, multiple submitters, no conflicts (2 of 4 stars). 7 submissions from 4 submitters: Uncertain significance (7). Last evaluated 2025-06-09.

Conditions:
Malignant hyperthermia, susceptibility to, 5 (MHS5). Also called: CACNA1S-Related Malignant Hyperthermia Susceptibility. Identifiers: Orphanet 423, MedGen C1866077, MONDO:0011163, OMIM 601887.
Congenital myopathy 18. Also called: Myopathy, congenital, due to dihydropyridine receptor defect; DIHYDROPYRIDINE RECEPTOR CONGENITAL MYOPATHY; DHPR CONGENITAL MYOPATHY. Identifiers: MedGen C5830283, MONDO:0859514, OMIM 620246.
Hypokalemic periodic paralysis, type 1. Also called: HypoPP; Hypokalemic Periodic Paralysis Type 1 (AD). Identifiers: Orphanet 681, MedGen C3714580, MONDO:0042979, OMIM 170400.
Thyrotoxic periodic paralysis, susceptibility to, 1 (TTPP1). Identifiers: Orphanet 79102, MedGen C2749982, MONDO:0008570, OMIM 188580.

Allele frequency attached by ClinVar (database versions not stated): gnomAD exomes below 0.00001; gnomAD 0.00003; TOPMed 0.00003; ESP Exome Variant Server 0.00008.
gnomAD v4.1: 6 of 1,614,122 alleles (0.00037%); highest among the groups gnomAD compares: African/African-American, 0.0067%; no homozygotes.

Submissions (7):

Color Diagnostics, LLC DBA Color Health
Classification: Uncertain significance for Malignant hyperthermia, susceptibility to, 5. Last evaluated: 2025-06-09. Review status: criteria provided, single submitter. Criteria: ACMG Guidelines, 2015. Collection method: clinical testing. Allele origin: germline.
Comment: This missense variant replaces isoleucine with valine at codon 289 of the CACNA1S protein. Computational prediction is inconclusive regarding the impact of this variant on protein structure and function. To our knowledge, functional studies have not been reported for this variant. This variant has not been reported in individuals affected with CACNA1S-related disorders in the literature. This variant has been identified in 1/31400 chromosomes in the general population by the Genome Aggregation Database (gnomAD). The available evidence is insufficient to determine the role of this variant in disease conclusively. Therefore, this variant is classified as a Variant of Uncertain Significance.

Fulgent Genetics
Classification: Uncertain significance for Hypokalemic periodic paralysis, type 1; Thyrotoxic periodic paralysis, susceptibility to, 1; Malignant hyperthermia, susceptibility to, 5; Congenital myopathy 18. Last evaluated: 2024-01-11. Review status: criteria provided, single submitter. Criteria: ACMG Guidelines, 2015. Collection method: clinical testing. Allele origin: germline.

Genome-Nilou Lab
Classification: Uncertain significance for Malignant hyperthermia, susceptibility to, 5. Last evaluated: 2023-04-11. Review status: criteria provided, single submitter. Criteria: ACMG Guidelines, 2015. Collection method: clinical testing. Allele origin: germline. Affected: no.

Genome-Nilou Lab
Classification: Uncertain significance for Thyrotoxic periodic paralysis, susceptibility to, 1. Last evaluated: 2023-04-11. Review status: criteria provided, single submitter. Criteria: ACMG Guidelines, 2015. Collection method: clinical testing. Allele origin: germline. Affected: no.

Genome-Nilou Lab
Classification: Uncertain significance for Congenital myopathy 18. Last evaluated: 2023-04-11. Review status: criteria provided, single submitter. Criteria: ACMG Guidelines, 2015. Collection method: clinical testing. Allele origin: germline. Affected: no.

Genome-Nilou Lab
Classification: Uncertain significance for Hypokalemic periodic paralysis, type 1. Last evaluated: 2023-04-11. Review status: criteria provided, single submitter. Criteria: ACMG Guidelines, 2015. Collection method: clinical testing. Allele origin: germline. Affected: no.

Labcorp Genetics (formerly Invitae), Labcorp
Classification: Uncertain significance for Hypokalemic periodic paralysis, type 1; Malignant hyperthermia, susceptibility to, 5. Last evaluated: 2017-12-03. Review status: criteria provided, single submitter. Criteria: Invitae Variant Classification Sherloc (09022015). Collection method: clinical testing. Allele origin: germline.
Comment: In summary, the available evidence is currently insufficient to determine the role of this variant in disease. Therefore, it has been classified as a Variant of Uncertain Significance. Algorithms developed to predict the effect of missense changes on protein structure and function (SIFT, PolyPhen-2, Align-GVGD) all suggest that this variant is likely to be tolerated, but these predictions have not been confirmed by published functional studies and their clinical significance is uncertain. This variant has not been reported in the literature in individuals with CACNA1S-related disease. This variant is not present in population databases (ExAC no frequency). This sequence change replaces isoleucine with valine at codon 289 of the CACNA1S protein (p.Ile289Val). The isoleucine residue is highly conserved and there is a small physicochemical difference between isoleucine and valine.